The following is an entry in ClinVar:

NM_001060.6(TBXA2R):c.649G>A (p.Val217Ile)

Gene: TBXA2R (thromboxane A2 receptor; minus strand). Cytogenetic location: 19p13.3.
Variant type: single nucleotide variant.
Coding change: c.649G>A on transcript NM_001060.6 (MANE Select); coding-DNA position 649, G replaced by A.
Protein change: p.Val217Ile; replaces valine 217 with isoleucine.
Molecular consequence: missense variant.
Genome position (GRCh38, 1-based): chr19:3,599,986, C>T on the plus strand (G>A on the coding strand, the complement: TBXA2R is on the minus strand). VCF-style: chr19-3599986-C-T. GRCh37 (hg19) VCF-style: chr19-3599984-C-T.
Other names: p.Val217Ile; c.649G>A, p.Val217Ile (NM_201636.3); c.649G>A (NM_201636.2); short protein forms V217I.
Identifiers: ClinVar variation 780500 (VCV000780500.12), dbSNP rs5751, ClinGen allele CA9080814.

ClinVar aggregate classification (germline): Benign/Likely benign. Review status: criteria provided, multiple submitters, no conflicts (2 of 4 stars). 4 submissions from 4 submitters: Benign (2); Likely benign (1). 1 of the submissions does not count toward it. Last evaluated 2026-02-01.

Conditions:
TBXA2R-related disorder. Also called: TBXA2R-related condition.

Allele frequency attached by ClinVar (database versions not stated): gnomAD exomes 0.00115 and 0.00291; ExAC 0.00671; gnomAD 0.01183 and 0.01269; 1000 Genomes Project 30x 0.01296; 1000 Genomes Project 0.01318; ESP Exome Variant Server 0.01322; TOPMed 0.01323.

Submissions (4):

Labcorp Genetics (formerly Invitae), Labcorp
Classification: Benign. Last evaluated: 2026-02-01. Review status: criteria provided, single submitter. Criteria: Invitae Variant Classification Sherloc (09022015). Collection method: clinical testing. Allele origin: germline.

Mayo Clinic Laboratories, Mayo Clinic
Classification: Likely benign. Last evaluated: 2025-12-17. Review status: criteria provided, single submitter. Criteria: ACMG Guidelines, 2015. Collection method: clinical testing. Allele origin: germline. Observed: 7 variant alleles.
Comment: BS1, BS2, BP4, PM1

Breakthrough Genomics
Classification: Benign. Review status: criteria provided, single submitter. Criteria: ACMG Guidelines, 2015. Collection method: not provided. Allele origin: germline. Inheritance: Autosomal dominant inheritance. Affected: yes.

PreventionGenetics, part of Exact Sciences
Classification: Benign for TBXA2R-related condition. Last evaluated: 2019-07-01. Review status: no assertion criteria provided. Collection method: clinical testing. Allele origin: germline. Not counted in ClinVar's aggregate classification.
Comment: This variant is classified as benign based on ACMG/AMP sequence variant interpretation guidelines (Richards et al. 2015 PMID: 25741868, with internal and published modifications).